The following is an entry in ClinVar:

NM_003470.3(USP7):c.1602T>C (p.His534=)

Gene: USP7 (ubiquitin specific peptidase 7; minus strand). Cytogenetic location: 16p13.2.
Variant type: single nucleotide variant.
Coding change: c.1602T>C on transcript NM_003470.3 (MANE Select); coding-DNA position 1602, T replaced by C.
Protein change: p.His534=; no amino-acid change (histidine 534 retained).
Molecular consequence: synonymous variant.
Genome position (GRCh38, 1-based): chr16:8,904,537, A>G on the plus strand (T>C on the coding strand, the complement: USP7 is on the minus strand). VCF-style: chr16-8904537-A-G. GRCh37 (hg19) VCF-style: chr16-8998394-A-G.
Other names: c.1554T>C, p.His518= (NM_001286457.2); c.1305T>C, p.His435= (NM_001286458.2); c.1428T>C, p.His476= (NM_001321858.2).
Identifiers: ClinVar variation 2160848 (VCV002160848.28), dbSNP rs149281364, ClinGen allele CA7895334.
Genomic context (GRCh38, chr16:8,904,537, plus strand): 5'-CTTCTGAGCCTCGATCCTTTTCTCTTCTTGTAATCGCTCCACCAACTGCTGAGGAATATC[A>G]TGGTCGGTGACCGCCTGTAAAACTTCACCTGCAGGACAAAGGCATCCTCTTTGACCCCTG-3'
Protein context (NP_003461.2, residues 524-544): LSEVLQAVTD[His534=]DIPQQLVERL

ClinVar aggregate classification (germline): Benign/Likely benign. Review status: criteria provided, multiple submitters, no conflicts (2 of 4 stars). 2 submissions from 2 submitters: Benign (1); Likely benign (1). Last evaluated 2024-11-11.

Allele frequency attached by ClinVar (database versions not stated): 1000 Genomes Project 30x 0.00016; 1000 Genomes Project 0.00020; TOPMed 0.00033; gnomAD 0.00037; ESP Exome Variant Server 0.00038; ExAC 0.00055; gnomAD exomes 0.00055.
gnomAD v4.1: 852 of 1,614,126 alleles (0.053%); highest among the groups gnomAD compares: Non-Finnish European, 0.065%; 1 homozygote.

Submissions (2):

Labcorp Genetics (formerly Invitae), Labcorp
Classification: Benign. Last evaluated: 2024-11-11. Review status: criteria provided, single submitter. Criteria: Invitae Variant Classification Sherloc (09022015). Collection method: clinical testing. Allele origin: germline.

CeGaT Center for Human Genetics Tuebingen
Classification: Likely benign. Last evaluated: 2023-11-01. Review status: criteria provided, single submitter. Criteria: CeGaT Center For Human Genetics Tuebingen Variant Classification Criteria Version 2. Collection method: clinical testing. Allele origin: germline. Affected: yes. Observed: 2 variant alleles.
Comment: USP7: BP4, BP7